The following is an entry in ClinVar:

ClinVar aggregate classification (germline): Pathogenic (1 of 4 stars; one submission).

Conditions:
Familial cancer of breast. Also called: Hereditary breast cancer; BREAST CANCER, FAMILIAL; hereditary breast carcinoma. Identifiers: Orphanet 227535, MedGen C0346153, MONDO:0016419, OMIM 114480. Disease mechanism: loss of function.

Submission:

Labcorp Genetics (formerly Invitae), Labcorp
Classification: Pathogenic for Familial cancer of breast. Last evaluated: 2019-10-09. Review status: criteria provided, single submitter. Criteria: Invitae Variant Classification Sherloc (09022015). Collection method: clinical testing. Allele origin: germline.
Comment: Loss-of-function variants in PALB2 are known to be pathogenic (PMID: 17200668, 24136930, 25099575). This variant has not been reported in the literature in individuals with PALB2-related conditions. For these reasons, this variant has been classified as Pathogenic. This variant is not present in population databases (ExAC no frequency). This sequence change creates a premature translational stop signal (p.Asp674Thrfs*35) in the PALB2 gene. It is expected to result in an absent or disrupted protein product.

Literature cited by the submitters: PubMed 17200668; PubMed 24136930; PubMed 25099575.

NM_024675.4(PALB2):c.2020del (p.Asp674fs)

Gene: PALB2 (partner and localizer of BRCA2; minus strand). Cytogenetic location: 16p12.2.
Variant type: Deletion.
Coding change: c.2020del on transcript NM_024675.4 (MANE Select); coding-DNA position 2020, one base deleted (G; older notation c.2020delG).
Protein change: p.Asp674fs; shifts the reading frame from aspartic acid 674.
Molecular consequence: frameshift variant.
Genome position (GRCh38, 1-based): chr16:23,630,134, C deleted on the plus strand (G on the coding strand, the reverse complement: PALB2 is on the minus strand); the first of 2 consecutive C bases (chr16:23,630,134-23,630,135); deleting either gives the same sequence. VCF-style (leftmost placement, unchanged base first): chr16-23630133-TC-T. GRCh37 (hg19) VCF-style: chr16-23641454-TC-T.
Other names: short protein forms D674fs.
Identifiers: ClinVar variation 965115 (VCV000965115.8), dbSNP rs1966861838, ClinGen allele CA1139664594.